The following is an entry in ClinVar:

NM_133433.4(NIPBL):c.-243A>C

Gene: NIPBL (NIPBL cohesin loading factor; plus strand). Cytogenetic location: 5p13.2.
Variant type: single nucleotide variant.
Coding change: c.-243A>C on transcript NM_133433.4 (MANE Select); 243 bases upstream of the start codon, A replaced by C.
Molecular consequence: 5 prime UTR variant.
Genome position (GRCh38, 1-based): chr5:36,877,015, A>C. VCF-style: chr5-36877015-A-C. GRCh37 (hg19) VCF-style: chr5-36877117-A-C.
Other names: c.-243A>C (NM_015384.5).
Identifiers: ClinVar variation 353369 (VCV000353369.5), dbSNP rs544681871, ClinGen allele CA10621721.

ClinVar aggregate classification (germline): Benign (1 of 4 stars; one submission).

Conditions:
Cornelia de Lange syndrome 1 (CDLS1). Also called: Brachmann de Lange syndrome; NIPBL-Related Cornelia de Lange Syndrome; TYPUS DEGENERATIVUS AMSTELODAMENSIS. Identifiers: Orphanet 199, MedGen C4551851, MONDO:0007387, OMIM 122470.

Allele frequency attached by ClinVar (database versions not stated): gnomAD 0.00057 and 0.00066; TOPMed 0.00058; gnomAD exomes 0.00083; 1000 Genomes Project 0.00160; 1000 Genomes Project 30x 0.00219.
gnomAD v4.1: 280 of 369,454 alleles (0.076%); highest among the groups gnomAD compares: South Asian, 0.29%; 1 homozygote.

Submission:

Illumina Laboratory Services, Illumina
Classification: Benign for Cornelia de Lange syndrome 1. Last evaluated: 2018-01-13. Review status: criteria provided, single submitter. Criteria: ICSL Variant Classification Criteria 13 December 2019. Collection method: clinical testing. Allele origin: germline.
Comment: This variant was observed in the ICSL laboratory as part of a predisposition screen in an ostensibly healthy population. It had not been previously curated by ICSL or reported in the Human Gene Mutation Database (HGMD: prior to June 1st, 2018), and was therefore a candidate for classification through an automated scoring system. Utilizing variant allele frequency, disease prevalence and penetrance estimates, and inheritance mode, an automated score was calculated to assess if this variant is too frequent to cause the disease. Based on the score and internal cut-off values, a variant classified as benign is not then subjected to further curation. The score for this variant resulted in a classification of benign for this disease.